The following is an entry in ClinVar:

NM_001394073.1(HS6ST2):c.233T>C (p.Leu78Pro)

Gene: HS6ST2 (heparan sulfate 6-O-sulfotransferase 2; minus strand). Cytogenetic location: Xq26.2.
Variant type: single nucleotide variant.
Coding change: c.233T>C on transcript NM_001394073.1 (MANE Select); coding-DNA position 233, T replaced by C.
Protein change: p.Leu78Pro; replaces leucine 78 with proline.
Molecular consequence: missense variant.
Genome position (GRCh38, 1-based): chrX:132,958,370, A>G on the plus strand (T>C on the coding strand, the complement: HS6ST2 is on the minus strand). VCF-style: chrX-132958370-A-G. GRCh37 (hg19) VCF-style: chrX-132092398-A-G.
Other names: c.233T>C, p.Leu78Pro (NM_001077188.2, NM_001394074.1, NM_147175.4); short protein forms L78P.
Identifiers: ClinVar variation 5022724 (VCV005022724.1).

ClinVar aggregate classification (germline): Uncertain significance (1 of 4 stars; one submission).

gnomAD v4.1: 2 of 1,199,308 alleles (0.00017%); highest among the groups gnomAD compares: South Asian, 0.0018%; no homozygotes.

Submission:

Ambry Genetics
Classification: Uncertain significance. Last evaluated: 2026-08-31. Review status: criteria provided, single submitter. Criteria: Ambry Variant Classification Scheme 2023. Collection method: clinical testing. Allele origin: germline.
Comment: The c.233T>C (p.L78P) alteration is located in exon 2 (coding exon 1) of the HS6ST2 gene. This alteration results from a T to C substitution at nucleotide position 233, causing the leucine (L) at amino acid position 78 to be replaced by a proline (P). Based on data from gnomAD, the C allele has an overall frequency of <0.001% (0/155370) total alleles studied. The highest observed frequency was <0.001% (/) of alleles. Based on insufficient or conflicting evidence, the clinical significance of this alteration remains unclear.